The following is an entry in ClinVar:

NM_020166.5(MCCC1):c.1270G>A (p.Asp424Asn)

Gene: MCCC1 (methylcrotonyl-CoA carboxylase subunit 1; minus strand). Cytogenetic location: 3q27.1.
Variant type: single nucleotide variant.
Coding change: c.1270G>A on transcript NM_020166.5 (MANE Select); coding-DNA position 1270, G replaced by A.
Protein change: p.Asp424Asn; replaces aspartic acid 424 with asparagine.
Molecular consequence: missense variant. On other transcripts: non-coding transcript variant (2).
Genome position (GRCh38, 1-based): chr3:183,039,133, C>T on the plus strand (G>A on the coding strand, the complement: MCCC1 is on the minus strand). VCF-style: chr3-183039133-C-T. GRCh37 (hg19) VCF-style: chr3-182756921-C-T.
Other names: c.919G>A, p.Asp307Asn (NM_001293273.2); c.943G>A, p.Asp315Asn (NM_001363880.1); short protein forms D307N, D424N, D315N.
Identifiers: ClinVar variation 834212 (VCV000834212.10), dbSNP rs1713861760, ClinGen allele CA355322074.

ClinVar aggregate classification (germline): Uncertain significance. Review status: criteria provided, single submitter (1 of 4 stars). 2 submissions from 2 submitters: Uncertain significance (1). 1 of the submissions does not count toward it. Last evaluated 2019-02-23.

Conditions:
3-methylcrotonyl-CoA carboxylase 1 deficiency (MCC1D). Also called: MCCD TYPE 1; METHYLCROTONYLGLYCINURIA TYPE I; MCC 1 deficiency; 3 Alpha methylcrotonylglycinuria 1. Identifiers: Orphanet 6, MedGen CN028786, MONDO:0008861, OMIM 210200.

Submissions (2):

Labcorp Genetics (formerly Invitae), Labcorp
Classification: Uncertain significance for 3-methylcrotonyl-CoA carboxylase 1 deficiency. Last evaluated: 2019-02-23. Review status: criteria provided, single submitter. Criteria: Invitae Variant Classification Sherloc (09022015). Collection method: clinical testing. Allele origin: germline.
Comment: In summary, the available evidence is currently insufficient to determine the role of this variant in disease. Therefore, it has been classified as a Variant of Uncertain Significance. This sequence change replaces aspartic acid with asparagine at codon 424 of the MCCC1 protein (p.Asp424Asn). The aspartic acid residue is highly conserved and there is a small physicochemical difference between aspartic acid and asparagine. Algorithms developed to predict the effect of missense changes on protein structure and function are either unavailable or do not agree on the potential impact of this missense change (SIFT: "Tolerated"; PolyPhen-2: "Probably Damaging"; Align-GVGD: "Class C0"). This variant has not been reported in the literature in individuals with MCCC1-related conditions. This variant is not present in population databases (ExAC no frequency).

Natera, Inc.
Classification: Uncertain significance for 3-methylcrotonyl-CoA carboxylase 1 deficiency. Last evaluated: 2025-04-14. Review status: no assertion criteria provided. Collection method: clinical testing. Allele origin: germline. Not counted in ClinVar's aggregate classification.